The following is an entry in ClinVar:

ClinVar aggregate classification (germline): Uncertain significance (1 of 4 stars; one submission).

Conditions:
Hereditary cancer-predisposing syndrome. Also called: Hereditary neoplastic syndrome; Hereditary Cancer Syndrome; Neoplastic Syndromes, Hereditary; Tumor predisposition. Identifiers: Orphanet 140162, MedGen C0027672, MeSH D009386, MONDO:0015356.

Submission:

Ambry Genetics
Classification: Uncertain significance for Hereditary cancer-predisposing syndrome. Last evaluated: 2023-05-31. Review status: criteria provided, single submitter. Criteria: Ambry Variant Classification Scheme 2023. Collection method: clinical testing. Allele origin: germline.
Comment: The p.H567P variant (also known as c.1700A>C), located in coding exon 5 of the PALB2 gene, results from an A to C substitution at nucleotide position 1700. The histidine at codon 567 is replaced by proline, an amino acid with similar properties. This amino acid position is conserved. In addition, this alteration is predicted to be tolerated by in silico analysis. Since supporting evidence is limited at this time, the clinical significance of this alteration remains unclear.

NM_024675.4(PALB2):c.1700A>C (p.His567Pro)

Gene: PALB2 (partner and localizer of BRCA2; minus strand). Cytogenetic location: 16p12.2.
Variant type: single nucleotide variant.
Coding change: c.1700A>C on transcript NM_024675.4 (MANE Select); coding-DNA position 1700, A replaced by C.
Protein change: p.His567Pro; replaces histidine 567 with proline.
Molecular consequence: missense variant. On other transcripts: 5 prime UTR variant (2), intron variant (1).
Genome position (GRCh38, 1-based): chr16:23,630,454, T>G on the plus strand (A>C on the coding strand, the complement: PALB2 is on the minus strand). VCF-style: chr16-23630454-T-G. GRCh37 (hg19) VCF-style: chr16-23641775-T-G.
Other names: c.1640A>C, p.His547Pro (NM_001407296.1); c.1700A>C, p.His567Pro (NM_001407297.1, NM_001407298.1, NM_001407299.1 and 3 more transcripts); c.815A>C, p.His272Pro (NM_001407304.1, NM_001407305.1, NM_001407306.1 and 5 more transcripts); c.-89A>C (NM_001407312.1, NM_001407313.1); c.49-1179A>C (NM_001407314.1); short protein forms H272P, H567P, H547P.
Identifiers: ClinVar variation 2567591 (VCV002567591.2), dbSNP rs765722926, ClinGen allele CA395128449.